The following is an entry in ClinVar:

NM_016151.4(TAOK2):c.2248C>T (p.Arg750Cys)

Gene: TAOK2 (TAO kinase 2; plus strand). Cytogenetic location: 16p11.2.
Variant type: single nucleotide variant.
Coding change: c.2248C>T on transcript NM_016151.4 (MANE Select); coding-DNA position 2248, C replaced by T.
Protein change: p.Arg750Cys; replaces arginine 750 with cysteine.
Molecular consequence: missense variant. On other transcripts: intron variant (2).
Genome position (GRCh38, 1-based): chr16:29,986,520, C>T. VCF-style: chr16-29986520-C-T. GRCh37 (hg19) VCF-style: chr16-29997841-C-T.
Other names: c.2232+16C>T (NM_004783.4, NM_001252043.2); short protein forms R750C.
Identifiers: ClinVar variation 1898334 (VCV001898334.5), dbSNP rs762623585, ClinGen allele CA7998340.

ClinVar aggregate classification (germline): Uncertain significance (1 of 4 stars; one submission).

Allele frequency attached by ClinVar (database versions not stated): ExAC 0.00001.

Submission:

Labcorp Genetics (formerly Invitae), Labcorp
Classification: Uncertain significance. Last evaluated: 2024-03-03. Review status: criteria provided, single submitter. Criteria: Invitae Variant Classification Sherloc (09022015). Collection method: clinical testing. Allele origin: germline.
Comment: This sequence change replaces arginine, which is basic and polar, with cysteine, which is neutral and slightly polar, at codon 750 of the TAOK2 protein (p.Arg750Cys). The frequency data for this variant in the population databases is considered unreliable, as metrics indicate poor data quality at this position in the gnomAD database. This variant has not been reported in the literature in individuals affected with TAOK2-related conditions. ClinVar contains an entry for this variant (Variation ID: 1898334). An algorithm developed to predict the effect of missense changes on protein structure and function (PolyPhen-2) suggests that this variant is likely to be tolerated. In summary, the available evidence is currently insufficient to determine the role of this variant in disease. Therefore, it has been classified as a Variant of Uncertain Significance.